The following is an entry in ClinVar:

NM_016263.4(FZR1):c.1335C>T (p.Arg445=)

Gene: FZR1 (fizzy and cell division cycle 20 related 1; plus strand). Cytogenetic location: 19p13.3.
Variant type: single nucleotide variant.
Coding change: c.1335C>T on transcript NM_016263.4 (MANE Select); coding-DNA position 1335, C replaced by T.
Protein change: p.Arg445=; no amino-acid change (arginine 445 retained).
Molecular consequence: synonymous variant.
Genome position (GRCh38, 1-based): chr19:3,533,386, C>T. VCF-style: chr19-3533386-C-T. GRCh37 (hg19) VCF-style: chr19-3533384-C-T.
Other names: c.1068C>T, p.Arg356= (NM_001136197.1); c.1335C>T, p.Arg445= (NM_001136198.1).
Identifiers: ClinVar variation 4820847 (VCV004820847.4).

ClinVar aggregate classification (germline): Likely benign (1 of 4 stars; one submission).

gnomAD v4.1: 56 of 1,605,722 alleles (0.0035%); highest among the groups gnomAD compares: Middle Eastern, 0.016%; no homozygotes.

Submission:

CeGaT Center for Human Genetics Tuebingen
Classification: Likely benign. Last evaluated: 2026-03-01. Review status: criteria provided, single submitter. Criteria: CeGaT Center For Human Genetics Tuebingen Variant Classification Criteria Version 2. Collection method: clinical testing. Allele origin: germline. Affected: yes. Observed: 1 variant allele.
Comment: FZR1: BP4, BP7